The following is an entry in ClinVar:

NR_023343.3(RNU4ATAC):n.91T>G

Genes: CLASP1 (cytoplasmic linker associated protein 1; minus strand), CLASP1-AS1 (CLASP1 antisense RNA 1; plus strand), RNU4ATAC (RNA, U4atac small nuclear; plus strand). Cytogenetic location: 2q14.2.
Variant type: single nucleotide variant.
Molecular consequence: non-coding transcript variant (on NR_023343.3). On other transcripts: intron variant (8).
Genome position: GRCh38 VCF-style: chr2-121530970-T-G. GRCh37 (hg19) VCF-style: chr2-122288546-T-G.
Other names: c.196-645A>C (NM_001142274.2, NM_015282.3, NM_001378003.1 and 5 more transcripts).
Identifiers: ClinVar variation 3604786 (VCV003604786.2).

ClinVar aggregate classification (germline): Uncertain significance (1 of 4 stars; one submission).

gnomAD v4.1: 1 of 699,708 alleles (0.00014%); highest among the groups gnomAD compares: Admixed American, 0.002%; no homozygotes.

Submission:

Labcorp Genetics (formerly Invitae), Labcorp
Classification: Uncertain significance. Last evaluated: 2024-08-04. Review status: criteria provided, single submitter. Criteria: Invitae Variant Classification Sherloc (09022015). Collection method: clinical testing. Allele origin: germline.
Comment: This variant occurs in the RNU4ATAC gene, which encodes an RNA molecule that does not result in a protein product. This variant is not present in population databases (gnomAD no frequency). This variant has not been reported in the literature in individuals affected with RNU4ATAC-related conditions. Experimental studies and prediction algorithms are not available or were not evaluated, and the functional significance of this variant is currently unknown. In summary, the available evidence is currently insufficient to determine the role of this variant in disease. Therefore, it has been classified as a Variant of Uncertain Significance.